The following is an entry in ClinVar:

ClinVar aggregate classification (germline): Uncertain significance (1 of 4 stars; one submission).

gnomAD v4.1: 2 of 1,613,296 alleles (0.00012%); highest among the groups gnomAD compares: Non-Finnish European, 0.00017%; no homozygotes.

Submission:

GeneDx
Classification: Uncertain significance. Last evaluated: 2024-11-07. Review status: criteria provided, single submitter. Criteria: GeneDx Variant Classification Process June 2021. Collection method: clinical testing. Allele origin: germline. Affected: yes.
Comment: Not observed at significant frequency in large population cohorts (gnomAD); In silico analysis indicates that this missense variant does not alter protein structure/function; Has not been previously published as pathogenic or benign to our knowledge

NM_178335.3(CCDC50):c.461C>T (p.Ser154Leu)

Gene: CCDC50 (coiled-coil domain containing 50; plus strand). Cytogenetic location: 3q28.
Variant type: single nucleotide variant.
Coding change: c.461C>T on transcript NM_178335.3 (MANE Select); coding-DNA position 461, C replaced by T.
Protein change: p.Ser154Leu; replaces serine 154 with leucine.
Molecular consequence: missense variant. On other transcripts: intron variant (1).
Genome position (GRCh38, 1-based): chr3:191,375,074, C>T. VCF-style: chr3-191375074-C-T. GRCh37 (hg19) VCF-style: chr3-191092863-C-T.
Other names: c.448+5038C>T (NM_174908.4); short protein forms S154L.
Identifiers: ClinVar variation 3898933 (VCV003898933.1).